The following is an entry in ClinVar:

ClinVar aggregate classification (germline): Pathogenic (1 of 4 stars; one submission).

Submission:

Labcorp Genetics (formerly Invitae), Labcorp
Classification: Pathogenic. Last evaluated: 2022-06-28. Review status: criteria provided, single submitter. Criteria: Invitae Variant Classification Sherloc (09022015). Collection method: clinical testing. Allele origin: germline.
Comment: For these reasons, this variant has been classified as Pathogenic. This variant has not been reported in the literature in individuals affected with LRP6-related conditions. This variant is not present in population databases (gnomAD no frequency). This sequence change creates a premature translational stop signal (p.Cys1243Trpfs*19) in the LRP6 gene. It is expected to result in an absent or disrupted protein product. Loss-of-function variants in LRP6 are known to be pathogenic (PMID: 26387593).

Literature cited by the submitters: PubMed 26387593.

NM_002336.3(LRP6):c.3726_3727del (p.Cys1243fs)

Gene: LRP6 (LDL receptor related protein 6; minus strand). Cytogenetic location: 12p13.2.
Variant type: Deletion.
Coding change: c.3726_3727del on transcript NM_002336.3 (MANE Select); coding-DNA positions 3726 to 3727, 2 bases deleted (AT; older notation c.3726_3727delAT).
Protein change: p.Cys1243fs; shifts the reading frame from cysteine 1243.
Molecular consequence: frameshift variant.
Genome position (GRCh38, 1-based): chr12:12,135,181-12,135,182, AT deleted on the plus strand (AT on the coding strand, the reverse complement: LRP6 is on the minus strand). VCF-style (leftmost placement, unchanged base first): chr12-12135180-CAT-C. GRCh37 (hg19) VCF-style: chr12-12288114-CAT-C.
Other names: short protein forms C1243fs.
Identifiers: ClinVar variation 1456993 (VCV001456993.6), dbSNP rs2136875298, ClinGen allele CA2573147899.
Genomic context (GRCh38, chr12:12,135,180, plus strand): 5'-AGATATGGAATATGTTTGCATTTAGGGTTGCACAAGAAAATTACAACATATTTACCTCCA[CAT>C]GATAGCTCATCTTGAAGTAGAACCAGGTGCATGGGGCAAGAACACCTTGTAGTACCATCC-3'